The following is an entry in ClinVar:

ClinVar aggregate classification (germline): Uncertain significance (1 of 4 stars; one submission).

gnomAD v4.1: 11 of 1,489,794 alleles (0.00074%); highest among the groups gnomAD compares: African/African-American, 0.014%; no homozygotes.

Submission:

GeneDx
Classification: Uncertain significance. Last evaluated: 2026-04-01. Review status: criteria provided, single submitter. Criteria: GeneDx Variant Classification Process June 2021. Collection method: clinical testing. Allele origin: germline.
Comment: In silico analysis supports that this missense variant has a deleterious effect on protein structure/function; Has not been previously published as pathogenic or benign to our knowledge

NM_001145026.2(PTPRQ):c.5189C>T (p.Ala1730Val)

Gene: PTPRQ (protein tyrosine phosphatase receptor type Q; plus strand). Cytogenetic location: 12q21.31.
Variant type: single nucleotide variant.
Coding change: c.5189C>T on transcript NM_001145026.2 (MANE Select); coding-DNA position 5189, C replaced by T.
Protein change: p.Ala1730Val; replaces alanine 1730 with valine.
Molecular consequence: missense variant.
Genome position (GRCh38, 1-based): chr12:80,616,225, C>T. VCF-style: chr12-80616225-C-T. GRCh37 (hg19) VCF-style: chr12-81010004-C-T.
Other names: short protein forms A1730V.
Identifiers: ClinVar variation 5017127 (VCV005017127.1).
Genomic context (GRCh38, chr12:80,616,225, plus strand): 5'-ACTTGAAAATAGTAACAAATATTTGTTTGTTTTAGGTTTACGCAGTCAATAGTGCTGGTG[C>T]AGGTCCAAAGGTTCCGATGAGAATAACCATGGATATCAAAGGTACATACATGAGCTACCT-3'
Protein context (NP_001138498.1, residues 1720-1740): ISVYAVNSAG[Ala1730Val]GPKVPMRITM